The following is an entry in ClinVar:

NM_013275.6(ANKRD11):c.488_501del (p.Lys163fs)

Gene: ANKRD11 (ankyrin repeat domain containing 11; minus strand). Cytogenetic location: 16q24.3.
Variant type: Deletion.
Coding change: c.488_501del on transcript NM_013275.6 (MANE Select); coding-DNA positions 488 to 501, 14 bases deleted (AGAGAAACGAGCGT).
Protein change: p.Lys163fs; shifts the reading frame from lysine 163.
Molecular consequence: frameshift variant. On other transcripts: non-coding transcript variant (1).
Genome position (GRCh38, 1-based): chr16:89,290,725-89,290,738, ACGCTCGTTTCTCT deleted on the plus strand (AGAGAAACGAGCGT on the coding strand, the reverse complement: ANKRD11 is on the minus strand). VCF-style (leftmost placement, unchanged base first): chr16-89290724-CACGCTCGTTTCTCT-C. GRCh37 (hg19) VCF-style: chr16-89357132-CACGCTCGTTTCTCT-C.
Other names: c.488_501del, p.Lys163fs (NM_001256182.2, NM_001256183.2); short protein forms K163fs.
Identifiers: ClinVar variation 503996 (VCV000503996.2), dbSNP rs1555531390, ClinGen allele CA658798671.

ClinVar aggregate classification (germline): Pathogenic (1 of 4 stars; one submission).

Submission:

GeneDx
Classification: Pathogenic. Last evaluated: 2018-01-05. Review status: criteria provided, single submitter. Criteria: GeneDx Variant Classification (06012015). Collection method: clinical testing. Allele origin: germline. Affected: yes.
Comment: The c.488_501del14 variant in the ANKRD11 gene has not been reported previously as a pathogenic variant nor as a benign variant, to our knowledge. The c.488_501del14 variant causes a frameshift starting with codon Lysine 163, changes this amino acid to an Arginine residue, and creates a premature Stop codon at position 43 of the new reading frame, denoted p.Lys163ArgfsX43. This variant is predicted to cause loss of normal protein function either through protein truncation or nonsense-mediated mRNA decay. The c.488_501del14 variant is not observed in large population cohorts (Lek et al., 2016). We interpret c.488_501del14 as a pathogenic variant.